The following is an entry in ClinVar:

NM_000138.5(FBN1):c.287G>C (p.Arg96Thr)

Gene: FBN1 (fibrillin 1; minus strand). Cytogenetic location: 15q21.1.
Variant type: single nucleotide variant.
Coding change: c.287G>C on transcript NM_000138.5 (MANE Select); coding-DNA position 287, G replaced by C.
Protein change: p.Arg96Thr; replaces arginine 96 with threonine.
Molecular consequence: missense variant.
Genome position (GRCh38, 1-based): chr15:48,610,787, C>G on the plus strand (G>C on the coding strand, the complement: FBN1 is on the minus strand). VCF-style: chr15-48610787-C-G. GRCh37 (hg19) VCF-style: chr15-48902984-C-G.
Other names: p.R96T:AGG>ACG; p.Arg96Thr; short protein forms R96T.
Identifiers: ClinVar variation 200142 (VCV000200142.29), dbSNP rs794728291, ClinGen allele CA013493.

ClinVar aggregate classification (germline): Conflicting classifications of pathogenicity. Review status: criteria provided, conflicting classifications (1 of 4 stars). 11 submissions from 11 submitters: Likely pathogenic (3); Uncertain significance (8). Last evaluated 2026-08-06.

Conditions:
Cardiovascular phenotype. Identifiers: MedGen CN230736.
Marfan syndrome (MFS). Also called: MARFAN SYNDROME, TYPE I; FBN1-Related Marfan Syndrome; Marfan syndrome, classic; Marfan syndrome type 1; Marfan's syndrome. Identifiers: Orphanet 284963, Orphanet 558, MedGen C0024796, MONDO:0007947, OMIM 154700.
Familial thoracic aortic aneurysm and aortic dissection (TAAD). Also called: Thoracic aortic aneurysms and dissections. Identifiers: Orphanet 91387, MedGen C4707243, MONDO:0019625.
Acromicric dysplasia (ACMICD). Also called: Acromicric skeletal dysplasia. Identifiers: Orphanet 969, MedGen C0265287, MONDO:0007055, OMIM 102370.
Stiff skin syndrome (SSKS). Identifiers: Orphanet 2833, MedGen C1861456, MONDO:0008492, OMIM 184900.
FBN1-related disorder. Also called: FBN1-related disorders.

Allele frequency attached by ClinVar (database versions not stated): gnomAD exomes 0.00001; gnomAD 0.00001.
gnomAD v4.1: 10 of 1,613,976 alleles (0.00062%); highest among the groups gnomAD compares: Admixed American, 0.005%; no homozygotes.

Submissions (11):

OLLIN Analises Genomicas, OLLIN
Classification: Uncertain significance for Acromicric dysplasia. Last evaluated: 2026-08-06. Review status: criteria provided, single submitter. Criteria: ACMG Guidelines 2015 PMID 25741868. Collection method: clinical testing. Allele origin: germline. Inheritance: Autosomal dominant inheritance.
Comment: This missense variant, located in exon 4 (of 66), has been reported in ClinVar (accession VCV000200142.28) and in gnomAD with an allele frequency of 0.00062%. However, to our knowledge, it has not been reported in the scientific literature. In silico analysis is inconclusive regarding the impact of this variant. According to the currently available evidence, this variant has been classified as uncertain significance (BS1).

Color Diagnostics, LLC DBA Color Health
Classification: Uncertain significance for Familial thoracic aortic aneurysm and aortic dissection. Last evaluated: 2025-04-14. Review status: criteria provided, single submitter. Criteria: ACMG Guidelines, 2015. Collection method: clinical testing. Allele origin: germline.
Comment: This missense variant replaces arginine with threonine at codon 96 of the FBN1 protein. Computational prediction tool is inconclusive regarding the impact of this variant on protein structure and function. To our knowledge, functional studies have not been reported for this variant. This variant has been reported in two unrelated individuals with clinical features of Marfan syndrome (PMID: 33174221; ClinVar SCV002254511.4). This variant has not been identified in the general population by the Genome Aggregation Database (gnomAD). The available evidence is insufficient to determine the role of this variant in disease conclusively. Therefore, this variant is classified as a Variant of Uncertain Significance.

All of Us Research Program, National Institutes of Health
Classification: Uncertain significance for Marfan syndrome. Last evaluated: 2024-06-11. Review status: criteria provided, single submitter. Criteria: ACMG Guidelines, 2015. Collection method: clinical testing. Allele origin: germline. Inheritance: Autosomal dominant inheritance. Observed: 4 variant alleles, 4 heterozygotes.
Comment: This missense variant replaces arginine with threonine at codon 96 of the FBN1 protein. Computational prediction is inconclusive regarding the impact of this variant on protein structure and function (internally defined REVEL score threshold 0.5 < inconclusive < 0.7, PMID: 27666373). To our knowledge, functional studies have not been reported for this variant. This variant has been reported in two unrelated individuals with clinical features of Marfan syndrome (PMID: 33174221; ClinVar SCV002254511.2). This variant has not been identified in the general population by the Genome Aggregation Database (gnomAD). The available evidence is insufficient to determine the role of this variant in disease conclusively. Therefore, this variant is classified as a Variant of Uncertain Significance.

This study involves interpretation of variants in research participants for the purpose of population health screening. Participant phenotype was not available at the time of variant classification. Additional details can be found in publication PMID: 35346344, PMCID: PMC8962531

GeneDx
Classification: Uncertain significance. Last evaluated: 2024-06-04. Review status: criteria provided, single submitter. Criteria: GeneDx Variant Classification Process June 2021. Collection method: clinical testing. Allele origin: germline. Affected: yes.
Comment: Not observed at significant frequency in large population cohorts (gnomAD); In silico analysis supports that this missense variant has a deleterious effect on protein structure/function; Although located in a calcium-binding EGF-like domain of the FBN1 gene, it does not affect a cysteine residue within this domain; cysteine substitutions in the calcium-binding EGF-like domains represent the majority of pathogenic missense changes associated with FBN1-related disorders (PMID: 12938084); This variant is associated with the following publications: (PMID: 12938084, 35535697, 33174221, 37995928)

Molecular Genetics and NGS Laboratory, Hospital Fundacion Valle Del Lili
Classification: Likely pathogenic for Stiff skin syndrome. Last evaluated: 2024-03-27. Review status: criteria provided, single submitter. Criteria: ACMG Guidelines, 2015. Collection method: clinical testing. Allele origin: germline. Affected: yes. Observed: 1 variant allele.

Labcorp Genetics (formerly Invitae), Labcorp
Classification: Likely pathogenic for Marfan syndrome; Familial thoracic aortic aneurysm and aortic dissection. Last evaluated: 2024-03-16. Review status: criteria provided, single submitter. Criteria: Invitae Variant Classification Sherloc (09022015). Collection method: clinical testing. Allele origin: germline.
Comment: This sequence change replaces arginine, which is basic and polar, with threonine, which is neutral and polar, at codon 96 of the FBN1 protein (p.Arg96Thr). This variant is not present in population databases (gnomAD no frequency). This missense change has been observed in individuals with clinical features of Marfan syndrome (PMID: 33174221; Invitae). ClinVar contains an entry for this variant (Variation ID: 200142). Advanced modeling of protein sequence and biophysical properties (such as structural, functional, and spatial information, amino acid conservation, physicochemical variation, residue mobility, and thermodynamic stability) performed at Invitae indicates that this missense variant is expected to disrupt FBN1 protein function with a positive predictive value of 95%. In summary, the currently available evidence indicates that the variant is pathogenic, but additional data are needed to prove that conclusively. Therefore, this variant has been classified as Likely Pathogenic.

PreventionGenetics, part of Exact Sciences
Classification: Uncertain significance for FBN1-related condition. Last evaluated: 2023-09-13. Review status: criteria provided, single submitter. Criteria: ACMG Guidelines, 2015. Collection method: clinical testing. Allele origin: germline.
Comment: The FBN1 c.287G>C variant is predicted to result in the amino acid substitution p.Arg96Thr. This variant was reported in an individual with Marfan syndrome (Hernándiz et al. 2021. PubMed ID: 33174221). This variant has not been reported in a large population database, indicating this variant is rare. At this time, the clinical significance of this variant is uncertain due to the absence of conclusive functional and genetic evidence.

Laan Lab, Human Genetics Research Group, University of Tartu
Classification: Likely pathogenic for Marfan syndrome. Last evaluated: 2021-05-01. Review status: criteria provided, single submitter. Criteria: ACMG Guidelines, 2015. Collection method: research. Allele origin: unknown. Observed: 3 variant alleles, 3 heterozygotes. Clinical features observed: Non-obstructive azoospermia (HP:0011961).

Revvity Omics, Revvity
Classification: Uncertain significance. Last evaluated: 2021-03-12. Review status: criteria provided, single submitter. Criteria: ACMG Guidelines, 2015. Collection method: clinical testing. Allele origin: germline.

Laboratorio de Genetica e Diagnostico Molecular, Hospital Israelita Albert Einstein
Classification: Uncertain significance. Last evaluated: 2019-11-18. Review status: criteria provided, single submitter. Criteria: ACMG Guidelines, 2015. Collection method: clinical testing. Allele origin: germline. Affected: yes.
Comment: ACMG classification criteria: PM2, PP2, PP3

Ambry Genetics
Classification: Uncertain significance for Cardiovascular phenotype. Last evaluated: 2019-02-08. Review status: criteria provided, single submitter. Criteria: Ambry Autosomal Dominant and X-Linked criteria (3/2017). Collection method: clinical testing. Allele origin: germline. Observed: 1 variant allele.
Comment: The p.R96T variant (also known as c.287G>C), located in coding exon 3 of the FBN1 gene, results from a G to C substitution at nucleotide position 287. The arginine at codon 96 is replaced by threonine, an amino acid with similar properties. This amino acid position is highly conserved in available vertebrate species. In addition, this alteration is predicted to be deleterious by in silico analysis. Since supporting evidence is limited at this time, the clinical significance of this alteration remains unclear.

Literature cited by the submitters: PubMed 33174221 (cited by 3 submitters); PubMed 35535697 (cited by Laan Lab, Human Genetics Research Group, University of Tartu).